The following is an entry in ClinVar:

ClinVar aggregate classification (germline): Pathogenic (1 of 4 stars; one submission).

Submission:

GeneDx
Classification: Pathogenic. Last evaluated: 2021-08-05. Review status: criteria provided, single submitter. Criteria: GeneDx Variant Classification Process June 2021. Collection method: clinical testing. Allele origin: germline. Affected: yes.
Comment: Frameshift variant predicted to result in protein truncation or nonsense mediated decay in a gene for which loss-of-function is a known mechanism of disease; Not observed at significant frequency in large population cohorts (Lek et al., 2016); This variant is associated with the following publications: (PMID: 31307516, 33332773)

NM_001371623.1(TCOF1):c.648del (p.Ser217fs)

Gene: TCOF1 (treacle ribosome biogenesis factor 1; plus strand). Cytogenetic location: 5q32.
Variant type: Deletion.
Coding change: c.648del on transcript NM_001371623.1 (MANE Select); coding-DNA position 648, one base deleted (C; older notation c.648delC).
Protein change: p.Ser217fs; shifts the reading frame from serine 217.
Molecular consequence: frameshift variant. On other transcripts: intron variant (2).
Genome position (GRCh38, 1-based): chr5:150,372,014, C deleted; the last of 3 consecutive C bases (chr5:150,372,012-150,372,014); deleting any one gives the same sequence. VCF-style (leftmost placement, unchanged base first): chr5-150372011-AC-A. GRCh37 (hg19) VCF-style: chr5-149751574-AC-A.
Other names: c.648del, p.Ser217fs (NM_001008657.3, NM_001135243.2, NM_001135244.2 and 1 more transcripts); c.640-2160del (NM_001135245.2, NM_000356.4); short protein forms S217fs.
Identifiers: ClinVar variation 1254492 (VCV001254492.2), dbSNP rs2150623550, ClinGen allele CA913203554.
Genomic context (GRCh38, chr5:150,372,011, plus strand): 5'-CTTAGGGGGAAACAGTAATTATTATTCATTTTCTAATTCCATCCTCTTGTTCCAGGGGAA[AC>A]CCTCAGTAAAACCAGCCCAGGTCAAAGCCTCATCAGTTTCTACTAAGGAGTCTCCAGCAA-3'